The following is an entry in ClinVar:

ClinVar aggregate classification (germline): Uncertain significance (1 of 4 stars; one submission).

Submission:

Labcorp Genetics (formerly Invitae), Labcorp
Classification: Uncertain significance. Last evaluated: 2022-07-09. Review status: criteria provided, single submitter. Criteria: Invitae Variant Classification Sherloc (09022015). Collection method: clinical testing. Allele origin: germline.
Comment: This sequence change replaces lysine, which is basic and polar, with arginine, which is basic and polar, at codon 9 of the RTTN protein (p.Lys9Arg). This variant is not present in population databases (gnomAD no frequency). This variant has not been reported in the literature in individuals affected with RTTN-related conditions. Algorithms developed to predict the effect of missense changes on protein structure and function are either unavailable or do not agree on the potential impact of this missense change (SIFT: "Deleterious"; PolyPhen-2: "Benign"; Align-GVGD: "Class C0"). In summary, the available evidence is currently insufficient to determine the role of this variant in disease. Therefore, it has been classified as a Variant of Uncertain Significance.

NM_173630.4(RTTN):c.26A>G (p.Lys9Arg)

Gene: RTTN (rotatin; minus strand). Cytogenetic location: 18q22.2.
Variant type: single nucleotide variant.
Coding change: c.26A>G on transcript NM_173630.4 (MANE Select); coding-DNA position 26, A replaced by G.
Protein change: p.Lys9Arg; replaces lysine 9 with arginine.
Molecular consequence: missense variant. On other transcripts: 5 prime UTR variant (1).
Genome position (GRCh38, 1-based): chr18:70,205,633, T>C on the plus strand (A>G on the coding strand, the complement: RTTN is on the minus strand). VCF-style: chr18-70205633-T-C. GRCh37 (hg19) VCF-style: chr18-67872869-T-C.
Other names: c.-2528A>G (NM_001318520.2); short protein forms K9R.
Identifiers: ClinVar variation 1939996 (VCV001939996.5), dbSNP rs2513109931, ClinGen allele CA402693219.